The following is an entry in ClinVar:

NM_000535.7(PMS2):c.37A>G (p.Lys13Glu)

Gene: PMS2 (PMS1 homolog 2, mismatch repair system component; minus strand). Cytogenetic location: 7p22.1.
Variant type: single nucleotide variant.
Coding change: c.37A>G on transcript NM_000535.7 (MANE Select); coding-DNA position 37, A replaced by G.
Protein change: p.Lys13Glu; replaces lysine 13 with glutamic acid.
Molecular consequence: missense variant. On other transcripts: intron variant (7), 5 prime UTR variant (38), non-coding transcript variant (1).
Genome position (GRCh38, 1-based): chr7:6,006,018, T>C on the plus strand (A>G on the coding strand, the complement: PMS2 is on the minus strand). VCF-style: chr7-6006018-T-C. GRCh37 (hg19) VCF-style: chr7-6045649-T-C.
Other names: c.-242-1960A>G (NM_001322004.2, NM_001406911.1, NM_001322010.2); c.-321-1960A>G (NM_001406879.1); c.-369A>G (NM_001018040.1, NM_001322003.2, NM_001322005.2 and 11 more transcripts); c.37A>G, p.Lys13Glu (NM_001322006.2, NM_001322014.2, NM_001406868.1 and 10 more transcripts); c.-179A>G (NM_001322007.2, NM_001406876.1, NM_001406883.1 and 4 more transcripts); c.-848A>G (NM_001322011.2, NM_001322012.2); c.-448A>G (NM_001322015.2, NM_001406875.1, NM_001406877.1 and 2 more transcripts); c.223A>G, p.Lys75Glu (NM_001406866.1); and 7 more; short protein forms K13E, K75E.
Identifiers: ClinVar variation 2784172 (VCV002784172.3), dbSNP rs2128846939, ClinGen allele CA366745178.

ClinVar aggregate classification (germline): Uncertain significance (1 of 4 stars; one submission).

Conditions:
Hereditary nonpolyposis colorectal neoplasms. Identifiers: MedGen C0009405, MeSH D003123.

Submission:

Labcorp Genetics (formerly Invitae), Labcorp
Classification: Uncertain significance for Hereditary nonpolyposis colorectal neoplasms. Last evaluated: 2023-08-16. Review status: criteria provided, single submitter. Criteria: Invitae Variant Classification Sherloc (09022015). Collection method: clinical testing. Allele origin: germline.
Comment: This variant is not present in population databases (gnomAD no frequency). This sequence change replaces lysine, which is basic and polar, with glutamic acid, which is acidic and polar, at codon 13 of the PMS2 protein (p.Lys13Glu). This variant has not been reported in the literature in individuals affected with PMS2-related conditions. Advanced modeling of protein sequence and biophysical properties (such as structural, functional, and spatial information, amino acid conservation, physicochemical variation, residue mobility, and thermodynamic stability) performed at Invitae indicates that this missense variant is expected to disrupt PMS2 protein function. In summary, the available evidence is currently insufficient to determine the role of this variant in disease. Therefore, it has been classified as a Variant of Uncertain Significance.